The following is an entry in ClinVar:

ClinVar aggregate classification (germline): Pathogenic (1 of 4 stars; one submission).

Conditions:
Hereditary cancer-predisposing syndrome. Also called: Neoplastic Syndromes, Hereditary; Tumor predisposition; Hereditary neoplastic syndrome; Hereditary Cancer Syndrome. Identifiers: Orphanet 140162, MedGen C0027672, MeSH D009386, MONDO:0015356.

Submission:

Ambry Genetics
Classification: Pathogenic for Hereditary cancer-predisposing syndrome. Last evaluated: 2019-06-05. Review status: criteria provided, single submitter. Criteria: Ambry Variant Classification Scheme 2023. Collection method: clinical testing. Allele origin: germline.
Comment: The c.5228_5241del14 pathogenic mutation, located in coding exon 15 of the APC gene, results from a deletion of 14 nucleotides at nucleotide positions 5228 to 5241, causing a translational frameshift with a predicted alternate stop codon (p.V1743Gfs*21). This alteration is expected to result in loss of function by premature protein truncation. As such, this alteration is interpreted as a disease-causing mutation.

NM_000038.6(APC):c.5228_5241del (p.Val1743fs)

Gene: APC (APC regulator of Wnt signaling pathway; plus strand). Cytogenetic location: 5q22.2.
Variant type: Deletion.
Coding change: c.5228_5241del on transcript NM_000038.6 (MANE Select); coding-DNA positions 5228 to 5241, 14 bases deleted (TGAAAAAGATAATG).
Protein change: p.Val1743fs; shifts the reading frame from valine 1743.
Molecular consequence: frameshift variant.
Genome position (GRCh38, 1-based): chr5:112,840,822-112,840,835, TGAAAAAGATAATG deleted; deleting any 14 consecutive bases within chr5:112,840,820-112,840,835 gives the same sequence; the c. name uses the placement nearest the transcript's 3' end. VCF-style (leftmost placement, unchanged base first): chr5-112840819-GTGTGAAAAAGATAA-G. GRCh37 (hg19) VCF-style: chr5-112176516-GTGTGAAAAAGATAA-G.
Other names: c.5228_5241del, p.Val1743fs (NM_001127510.3, NM_001354895.2); c.5174_5187del, p.Val1725fs (NM_001127511.3); c.5282_5295del, p.Val1761fs (NM_001354896.2); c.5258_5271del, p.Val1753fs (NM_001354897.2); c.5153_5166del, p.Val1718fs (NM_001354898.2); c.5144_5157del, p.Val1715fs (NM_001354899.2); c.5105_5118del, p.Val1702fs (NM_001354900.2); c.5051_5064del, p.Val1684fs (NM_001354901.2); and 5 more; short protein forms V1617fs, V1642fs, V1652fs, V1684fs, V1715fs, V1725fs, V1753fs, V1761fs.
Identifiers: ClinVar variation 825569 (VCV000825569.4), dbSNP rs1580657643, ClinGen allele CA915943499.
Genomic context (GRCh38, chr5:112,840,819, plus strand): 5'-ATATTCTTGCAGAATGCATTAATTCTGCTATGCCCAAAGGGAAAAGTCACAAGCCTTTCC[GTGTGAAAAAGATAA>G]TGGACCAGGTCCAGCAAGCATCTGCGTCTTCTTCTGCACCCAACAAAAATCAGTTAGATG-3'